The following is an entry in ClinVar:

ClinVar aggregate classification (germline): Uncertain significance (1 of 4 stars; one submission).

gnomAD v4.1: 3 of 1,209,155 alleles (0.00025%); highest among the groups gnomAD compares: Admixed American, 0.0044%; no homozygotes.

Submission:

GeneDx
Classification: Uncertain significance. Last evaluated: 2026-04-20. Review status: criteria provided, single submitter. Criteria: GeneDx Variant Classification Process June 2021. Collection method: clinical testing. Allele origin: germline.
Comment: Not observed at significant frequency in large population cohorts (gnomAD); In silico analysis suggests that this missense variant does not alter protein structure/function; Has not been previously published as pathogenic or benign to our knowledge

NM_005334.3(HCFC1):c.5365G>A (p.Glu1789Lys)

Gene: HCFC1 (host cell factor C1; minus strand). Cytogenetic location: Xq28.
Variant type: single nucleotide variant.
Coding change: c.5365G>A on transcript NM_005334.3 (MANE Select); coding-DNA position 5365, G replaced by A.
Protein change: p.Glu1789Lys; replaces glutamic acid 1789 with lysine.
Molecular consequence: missense variant.
Genome position (GRCh38, 1-based): chrX:153,951,603, C>T on the plus strand (G>A on the coding strand, the complement: HCFC1 is on the minus strand). VCF-style: chrX-153951603-C-T. GRCh37 (hg19) VCF-style: chrX-153217054-C-T.
Other names: c.5500G>A, p.Glu1834Lys (NM_001410705.1); c.5497G>A, p.Glu1833Lys (NM_001440843.1, NM_001440844.1, NM_001440845.1); c.5494G>A, p.Glu1832Lys (NM_001440846.1); c.5368G>A, p.Glu1790Lys (NM_001440847.1, NM_001440849.1); c.5365G>A, p.Glu1789Lys (NM_001440848.1); c.5299G>A, p.Glu1767Lys (NM_001440850.1); c.5167G>A, p.Glu1723Lys (NM_001440851.1); short protein forms E1723K, E1767K, E1789K, E1790K, E1832K, E1833K, E1834K.
Identifiers: ClinVar variation 4755841 (VCV004755841.2).